The following is an entry in ClinVar:

NM_020163.3(SEMA3G):c.1064G>A (p.Gly355Glu)

Gene: SEMA3G (semaphorin 3G; minus strand). Cytogenetic location: 3p21.1.
Variant type: single nucleotide variant.
Coding change: c.1064G>A on transcript NM_020163.3 (MANE Select); coding-DNA position 1064, G replaced by A.
Protein change: p.Gly355Glu; replaces glycine 355 with glutamic acid.
Molecular consequence: missense variant.
Genome position (GRCh38, 1-based): chr3:52,440,456, C>T on the plus strand (G>A on the coding strand, the complement: SEMA3G is on the minus strand). VCF-style: chr3-52440456-C-T. GRCh37 (hg19) VCF-style: chr3-52474472-C-T.
Other names: c.1064G>A (NM_020163.2); short protein forms G355E.
Identifiers: ClinVar variation 2474737 (VCV002474737.3), dbSNP rs1706130279, ClinGen allele CA353149635.

ClinVar aggregate classification (germline): Uncertain significance. Review status: criteria provided, multiple submitters, no conflicts (2 of 4 stars). 2 submissions from 2 submitters: Uncertain significance (2). Last evaluated 2026-02-16.

Conditions:
SEMA3G-related disorder. Also called: SEMA3G-related condition.

Allele frequency attached by ClinVar (database versions not stated): TOPMed below 0.00001; gnomAD exomes 0.00005.
gnomAD v4.1: 64 of 1,610,920 alleles (0.004%); highest among the groups gnomAD compares: Non-Finnish European, 0.0054%; no homozygotes.

Submissions (2):

PreventionGenetics, part of Exact Sciences
Classification: Uncertain significance for SEMA3G-related condition. Last evaluated: 2026-02-16. Review status: criteria provided, single submitter. Criteria: ACMG Guidelines, 2015. Collection method: clinical testing. Allele origin: germline.
Comment: The SEMA3G c.1064G>A variant is predicted to result in the amino acid substitution p.Gly355Glu. To our knowledge, this variant has not been reported in the literature. This variant is reported in 0.0048% of alleles in individuals of European (Finnish) descent in gnomAD. At this time, the clinical significance of this variant is uncertain due to the absence of conclusive functional and genetic evidence.

Ambry Genetics
Classification: Uncertain significance. Last evaluated: 2023-01-10. Review status: criteria provided, single submitter. Criteria: Ambry Variant Classification Scheme 2023. Collection method: clinical testing. Allele origin: germline.